The following is an entry in ClinVar:

ClinVar aggregate classification (germline): Uncertain significance (1 of 4 stars; one submission).

gnomAD v4.1: 2 of 1,611,588 alleles (0.00012%); highest among the groups gnomAD compares: Non-Finnish European, 0.00017%; no homozygotes.

Submission:

Labcorp Genetics (formerly Invitae), Labcorp
Classification: Uncertain significance. Last evaluated: 2022-04-08. Review status: criteria provided, single submitter. Criteria: Invitae Variant Classification Sherloc (09022015). Collection method: clinical testing. Allele origin: germline.
Comment: This sequence change replaces threonine, which is neutral and polar, with serine, which is neutral and polar, at codon 185 of the SKIV2L protein (p.Thr185Ser). This variant is present in population databases (no rsID available, gnomAD 0.0009%). This variant has not been reported in the literature in individuals affected with SKIV2L-related conditions. Algorithms developed to predict the effect of missense changes on protein structure and function (SIFT, PolyPhen-2, Align-GVGD) all suggest that this variant is likely to be tolerated. In summary, the available evidence is currently insufficient to determine the role of this variant in disease. Therefore, it has been classified as a Variant of Uncertain Significance.

NM_006929.5(SKIC2):c.554C>G (p.Thr185Ser)

Gene: SKIC2 (SKI2 subunit of superkiller complex; plus strand). Cytogenetic location: 6p21.33.
Variant type: single nucleotide variant.
Coding change: c.554C>G on transcript NM_006929.5 (MANE Select); coding-DNA position 554, C replaced by G.
Protein change: p.Thr185Ser; replaces threonine 185 with serine.
Molecular consequence: missense variant.
Genome position (GRCh38, 1-based): chr6:31,961,050, C>G. VCF-style: chr6-31961050-C-G. GRCh37 (hg19) VCF-style: chr6-31928827-C-G.
Other names: short protein forms T185S.
Identifiers: ClinVar variation 2123292 (VCV002123292.4), dbSNP rs1309832207, ClinGen allele CA363441456.
Genomic context (GRCh38, chr6:31,961,050, plus strand): 5'-CAATTTGTTCACCAGTGTGCAGTGACCTGATTTCATGTCCCTATCCTACAGATCTTCTTA[C>G]TATTCCACCTGGTTTCAAGAAAGGCATGGACTTTGCACCAAAAGGTTAGTTTTAGTTTTT-3'
Protein context (NP_008860.4, residues 175-195): EEIDFEKDLL[Thr185Ser]IPPGFKKGMD